The following is an entry in ClinVar:

NM_004444.5(EPHB4):c.1891C>T (p.Arg631Trp)

Gene: EPHB4 (EPH receptor B4; minus strand). Cytogenetic location: 7q22.1.
Variant type: single nucleotide variant.
Coding change: c.1891C>T on transcript NM_004444.5 (MANE Select); coding-DNA position 1891, C replaced by T.
Protein change: p.Arg631Trp; replaces arginine 631 with tryptophan.
Molecular consequence: missense variant.
Genome position (GRCh38, 1-based): chr7:100,812,974, G>A on the plus strand (C>T on the coding strand, the complement: EPHB4 is on the minus strand). VCF-style: chr7-100812974-G-A. GRCh37 (hg19) VCF-style: chr7-100410596-G-A.
Other names: short protein forms R631W.
Identifiers: ClinVar variation 3224275 (VCV003224275.1), dbSNP rs780683641, ClinGen allele CA4392780.
Genomic context (GRCh38, chr7:100,812,974, plus strand): 5'-CCTTCAGGGTCTTGATTGCCACACAGCTCTCCTTCTTCCCTGGGGCCTTGAGCCGCCCCC[G>A]GCACACCTCGCCAAACTCACCTTCAAACAAGGACGCAGAGGTCATCAGCTCTCCCGCTCC-3'
Protein context (NP_004435.3, residues 621-641): IGAGEFGEVC[Arg631Trp]GRLKAPGKKE

ClinVar aggregate classification (germline): Uncertain significance (1 of 4 stars; one submission).

Conditions:
Cardiovascular phenotype. Identifiers: MedGen CN230736.

Allele frequency attached by ClinVar (database versions not stated): gnomAD exomes below 0.00001; ExAC 0.00001.
gnomAD v4.1: 5 of 1,613,754 alleles (0.00031%); highest among the groups gnomAD compares: East Asian, 0.0022%; no homozygotes.

Submission:

Ambry Genetics
Classification: Uncertain significance for Cardiovascular phenotype. Last evaluated: 2023-11-05. Review status: criteria provided, single submitter. Criteria: Ambry Variant Classification Scheme 2023. Collection method: clinical testing. Allele origin: germline.
Comment: The p.R631W variant (also known as c.1891C>T), located in coding exon 12 of the EPHB4 gene, results from a C to T substitution at nucleotide position 1891. The arginine at codon 631 is replaced by tryptophan, an amino acid with dissimilar properties. This amino acid position is conserved. In addition, this alteration is predicted to be deleterious by in silico analysis. Since supporting evidence is limited at this time, the clinical significance of this alteration remains unclear.